The following is an entry in ClinVar:

NM_014140.4(SMARCAL1):c.2077C>T (p.Gln693Ter)

Gene: SMARCAL1 (SNF2 related chromatin remodeling annealing helicase 1; plus strand). Cytogenetic location: 2q35.
Variant type: single nucleotide variant.
Coding change: c.2077C>T on transcript NM_014140.4 (MANE Select); coding-DNA position 2077, C replaced by T.
Protein change: p.Gln693Ter; replaces glutamine 693 with a stop codon.
Molecular consequence: nonsense.
Genome position (GRCh38, 1-based): chr2:216,464,603, C>T. VCF-style: chr2-216464603-C-T. GRCh37 (hg19) VCF-style: chr2-217329326-C-T.
Other names: c.2077C>T, p.Gln693Ter (NM_001127207.2); short protein forms Q693*.
Identifiers: ClinVar variation 2816028 (VCV002816028.3), dbSNP rs1694788127, ClinGen allele CA350502608.

ClinVar aggregate classification (germline): Pathogenic (1 of 4 stars; one submission).

Conditions:
Schimke immuno-osseous dysplasia (SIOD). Also called: Schimke Immunoosseous Dysplasia. Identifiers: Orphanet 1830, MedGen C0877024, MONDO:0009458, OMIM 242900.

Allele frequency attached by ClinVar (database versions not stated): gnomAD 0.00001.
gnomAD v4.1: 3 of 1,611,762 alleles (0.00019%); highest among the groups gnomAD compares: Non-Finnish European, 0.00025%; no homozygotes.

Submission:

Labcorp Genetics (formerly Invitae), Labcorp
Classification: Pathogenic for Schimke immuno-osseous dysplasia. Last evaluated: 2022-11-23. Review status: criteria provided, single submitter. Criteria: Invitae Variant Classification Sherloc (09022015). Collection method: clinical testing. Allele origin: germline.
Comment: For these reasons, this variant has been classified as Pathogenic. This variant has not been reported in the literature in individuals affected with SMARCAL1-related conditions. This variant is not present in population databases (gnomAD no frequency). This sequence change creates a premature translational stop signal (p.Gln693*) in the SMARCAL1 gene. It is expected to result in an absent or disrupted protein product. Loss-of-function variants in SMARCAL1 are known to be pathogenic (PMID: 11799392, 20301550).

Literature cited by the submitters: PubMed 11799392; PubMed 20301550.